The following is an entry in ClinVar:

ClinVar aggregate classification (germline): Conflicting classifications of pathogenicity. Review status: criteria provided, conflicting classifications (1 of 4 stars). 2 submissions from 2 submitters: Uncertain significance (1); Likely benign (1). Last evaluated 2024-04-02.

Conditions:
Erythrocytosis, familial, 3 (ECYT3). Identifiers: Orphanet 247511, MedGen C1853286, MONDO:0012353, OMIM 609820.

Allele frequency attached by ClinVar (database versions not stated): gnomAD 0.00001; gnomAD exomes 0.00002; ExAC 0.00006.
gnomAD v4.1: 32 of 1,613,826 alleles (0.002%); highest among the groups gnomAD compares: South Asian, 0.03%; no homozygotes.

Submissions (2):

Labcorp Genetics (formerly Invitae), Labcorp
Classification: Uncertain significance for Erythrocytosis, familial, 3. Last evaluated: 2024-04-02. Review status: criteria provided, single submitter. Criteria: Invitae Variant Classification Sherloc (09022015). Collection method: clinical testing. Allele origin: germline.
Comment: This sequence change replaces glycine, which is neutral and non-polar, with valine, which is neutral and non-polar, at codon 422 of the EGLN1 protein (p.Gly422Val). This variant is present in population databases (rs763596301, gnomAD 0.03%). This variant has not been reported in the literature in individuals affected with EGLN1-related conditions. ClinVar contains an entry for this variant (Variation ID: 1764062). An algorithm developed to predict the effect of missense changes on protein structure and function (PolyPhen-2) suggests that this variant is likely to be tolerated. In summary, the available evidence is currently insufficient to determine the role of this variant in disease. Therefore, it has been classified as a Variant of Uncertain Significance.

Ambry Genetics
Classification: Likely benign. Last evaluated: 2021-10-19. Review status: criteria provided, single submitter. Criteria: Ambry Variant Classification Scheme 2023. Collection method: clinical testing. Allele origin: germline.

NM_022051.3(EGLN1):c.1265G>T (p.Gly422Val)

Gene: EGLN1 (egl-9 family hypoxia inducible factor 1; minus strand). Cytogenetic location: 1q42.2.
Variant type: single nucleotide variant.
Coding change: c.1265G>T on transcript NM_022051.3 (MANE Select); coding-DNA position 1265, G replaced by T.
Protein change: p.Gly422Val; replaces glycine 422 with valine.
Molecular consequence: missense variant. On other transcripts: 3 prime UTR variant (2).
Genome position (GRCh38, 1-based): chr1:231,366,427, C>A on the plus strand (G>T on the coding strand, the complement: EGLN1 is on the minus strand). VCF-style: chr1-231366427-C-A. GRCh37 (hg19) VCF-style: chr1-231502173-C-A.
Other names: c.*45G>T (NM_001377260.1); c.*90G>T (NM_001377261.1); short protein forms G422V.
Identifiers: ClinVar variation 1764062 (VCV001764062.7), dbSNP rs763596301, ClinGen allele CA1452955.
Genomic context (GRCh38, chr1:231,366,427, plus strand): 5'-TAACAATATTGTAGGTGAAGTGGGGTATTGCTGGATCAAAGGCTCTAGAAGACGTCTTTA[C>A]CGACCGAATCTGAAGGTTTATTGAGTTCAACCCTCACACCTTTTTCACCTGCAAGGTAAA-3'
Protein context (NP_071334.1, residues 412-426): VELNKPSDSV[Gly422Val]KDVF